The following is an entry in ClinVar:

ClinVar aggregate classification (germline): Uncertain significance (1 of 4 stars; one submission).

Conditions:
Tay-Sachs disease (TSD). Also called: HEXA DEFICIENCY; HEXA Disorders; GM2 gangliosidosis, type 1; Hexosaminidase alpha-subunit deficiency (variant B); Sphingolipidosis, Tay-Sachs; Hexosaminidase A Deficiency. Identifiers: Orphanet 845, MedGen C0039373, MONDO:0010100, OMIM 272800.

Allele frequency attached by ClinVar (database versions not stated): TOPMed below 0.00001.

Submission:

Neuberg Centre For Genomic Medicine, NCGM
Classification: Uncertain significance for Tay-Sachs disease. Review status: criteria provided, single submitter. Criteria: ACMG Guidelines, 2015. Collection method: clinical testing. Allele origin: germline. Inheritance: Autosomal recessive inheritance. Affected: yes.
Comment: The missense variant in c.1445C>G (p.Pro482Arg) in HEXA gene has not been reported previously as a pathogenic variant nor as a benign variant, to our knowledge. The p.Pro482Arg variant is novel (not in any individuals) in gnomAD Exomes and 1000 Genomes. The amino acid Pro at position 482 is changed to a Arg changing protein sequence and it might alter its composition and physico-chemical properties. The variant is predicted to be damaging by both SIFT and PolyPhen2. The residue is conserved across species. The amino acid change p.Pro482Arg in HEXA is predicted as conserved by GERP++ and PhyloP across 100 vertebrates. For these reasons, this variant has been classified as Uncertain Significance.

NM_000520.6(HEXA):c.1412C>G (p.Pro471Arg)

Gene: HEXA (hexosaminidase subunit alpha; minus strand). Cytogenetic location: 15q23.
Variant type: single nucleotide variant.
Coding change: c.1412C>G on transcript NM_000520.6 (MANE Select); coding-DNA position 1412, C replaced by G.
Protein change: p.Pro471Arg; replaces proline 471 with arginine.
Molecular consequence: missense variant. On other transcripts: non-coding transcript variant (1).
Genome position (GRCh38, 1-based): chr15:72,346,244, G>C on the plus strand (C>G on the coding strand, the complement: HEXA is on the minus strand). VCF-style: chr15-72346244-G-C. GRCh37 (hg19) VCF-style: chr15-72638585-G-C.
Other names: c.1445C>G, p.Pro482Arg (NM_001318825.2); short protein forms P471R, P482R.
Identifiers: ClinVar variation 2585376 (VCV002585376.1), dbSNP rs1567295568, ClinGen allele CA393059049.